The following is an entry in ClinVar:

NM_031942.5(CDCA7):c.955C>T (p.Arg319Cys)

Gene: CDCA7 (cell division cycle associated 7; plus strand). Cytogenetic location: 2q31.1.
Variant type: single nucleotide variant.
Coding change: c.955C>T on transcript NM_031942.5 (MANE Select); coding-DNA position 955, C replaced by T.
Protein change: p.Arg319Cys; replaces arginine 319 with cysteine.
Molecular consequence: missense variant.
Genome position (GRCh38, 1-based): chr2:173,365,512, C>T. VCF-style: chr2-173365512-C-T. GRCh37 (hg19) VCF-style: chr2-174230240-C-T.
Other names: c.955C>T (NM_031942.4); c.718C>T, p.Arg240Cys (NM_145810.3); short protein forms R240C, R319C.
Identifiers: ClinVar variation 1345758 (VCV001345758.9), dbSNP rs775525324, ClinGen allele CA1971396.

ClinVar aggregate classification (germline): Uncertain significance. Review status: criteria provided, multiple submitters, no conflicts (2 of 4 stars). 3 submissions from 3 submitters: Uncertain significance (3). Last evaluated 2025-06-23.

Allele frequency attached by ClinVar (database versions not stated): ExAC 0.00001; gnomAD exomes 0.00001 and 0.00005; TOPMed 0.00009; gnomAD 0.00016 and 0.00017.
gnomAD v4.1: 45 of 1,614,024 alleles (0.0028%); highest among the groups gnomAD compares: Admixed American, 0.065%; no homozygotes.

Submissions (3):

Ambry Genetics
Classification: Uncertain significance. Last evaluated: 2025-06-23. Review status: criteria provided, single submitter. Criteria: Ambry Variant Classification Scheme 2023. Collection method: clinical testing. Allele origin: germline.

Labcorp Genetics (formerly Invitae), Labcorp
Classification: Uncertain significance. Last evaluated: 2024-08-19. Review status: criteria provided, single submitter. Criteria: Invitae Variant Classification Sherloc (09022015). Collection method: clinical testing. Allele origin: germline.
Comment: This sequence change replaces arginine, which is basic and polar, with cysteine, which is neutral and slightly polar, at codon 319 of the CDCA7 protein (p.Arg319Cys). This variant is present in population databases (rs775525324, gnomAD 0.04%). This variant has not been reported in the literature in individuals affected with CDCA7-related conditions. ClinVar contains an entry for this variant (Variation ID: 1345758). Invitae Evidence Modeling of protein sequence and biophysical properties (such as structural, functional, and spatial information, amino acid conservation, physicochemical variation, residue mobility, and thermodynamic stability) indicates that this missense variant is expected to disrupt CDCA7 protein function with a positive predictive value of 80%. In summary, the available evidence is currently insufficient to determine the role of this variant in disease. Therefore, it has been classified as a Variant of Uncertain Significance.

Blueprint Genetics
Classification: Uncertain significance. Last evaluated: 2019-06-14. Review status: criteria provided, single submitter. Criteria: ACMG Guidelines, 2015. Collection method: clinical testing. Allele origin: germline.